The following is an entry in ClinVar:

ClinVar aggregate classification (germline): Uncertain significance (1 of 4 stars; one submission).

Submission:

Ambry Genetics
Classification: Uncertain significance. Last evaluated: 2025-11-26. Review status: criteria provided, single submitter. Criteria: Ambry Variant Classification Scheme 2023. Collection method: clinical testing. Allele origin: germline.
Comment: The p.T822S variant (also known as c.2464A>T), located in coding exon 1 of the TET2 gene, results from an A to T substitution at nucleotide position 2464. The threonine at codon 822 is replaced by serine, an amino acid with similar properties. This amino acid position is conserved. In addition, this alteration is predicted to be tolerated by in silico analysis. Based on the available evidence, the clinical significance of this variant remains unclear.

NM_001127208.3(TET2):c.2464A>T (p.Thr822Ser)

Genes: TET2 (tet methylcytosine dioxygenase 2; plus strand), TET2-AS1 (TET2 antisense RNA 1; minus strand). Cytogenetic location: 4q24.
Variant type: single nucleotide variant.
Coding change: c.2464A>T on transcript NM_001127208.3 (MANE Select); coding-DNA position 2464, A replaced by T.
Protein change: p.Thr822Ser; replaces threonine 822 with serine.
Molecular consequence: missense variant.
Genome position (GRCh38, 1-based): chr4:105,236,406, A>T. VCF-style: chr4-105236406-A-T. GRCh37 (hg19) VCF-style: chr4-106157563-A-T.
Other names: c.2464A>T, p.Thr822Ser (NM_017628.4); short protein forms T822S.
Identifiers: ClinVar variation 4594223 (VCV004594223.1).